The following is an entry in ClinVar:

NM_000321.3(RB1):c.1498+69_1498+80del

Gene: RB1 (RB transcriptional corepressor 1; plus strand). Cytogenetic location: 13q14.2.
Variant type: Deletion.
Coding change: c.1498+69_1498+80del on transcript NM_000321.3 (MANE Select); bases 69 to 80 of the intron after coding-DNA position 1498, 12 bases deleted (TCGGGGGAGAGG).
Molecular consequence: intron variant.
Genome position (GRCh38, 1-based): chr13:48,380,310-48,380,321, TCGGGGGAGAGG deleted; deleting any 12 consecutive bases within chr13:48,380,308-48,380,321 gives the same sequence; the c. name uses the placement nearest the transcript's 3' end. VCF-style (leftmost placement, unchanged base first): chr13-48380307-TGGTCGGGGGAGA-T. GRCh37 (hg19) VCF-style: chr13-48954443-TGGTCGGGGGAGA-T.
Other names: c.1498+69_1498+80del (NM_001407165.1, NM_001407166.1).
Identifiers: ClinVar variation 3236999 (VCV003236999.1), dbSNP rs2542205058.
Genomic context (GRCh38, chr13:48,380,307, plus strand): 5'-TTAAATTTTCATAAATAAACACTTTTGTTCAATTTAAAGTTAAAATGTGGTGTGTTTCTT[TGGTCGGGGGAGA>T]GGGATAGTGTGAGGTTAAGGAGAAGGAATGCTTATTTTAGATCACTATATACTGAAGAAT-3'

ClinVar aggregate classification (germline): Uncertain significance (1 of 4 stars; one submission).

Conditions:
Retinoblastoma (RB1). Also called: RETINOBLASTOMA, SOMATIC. Identifiers: Orphanet 790, MedGen C0035335, MeSH D012175, MONDO:0008380, OMIM 180200, HP:0009919. Disease mechanism: loss of function. Inheritance: Both sporadic and heritable forms are tested..

Submission:

Genetic Diagnostic Laboratory, University of Pennsylvania School of Medicine
Classification: Uncertain significance for Retinoblastoma. Last evaluated: 2024-05-20. Review status: criteria provided, single submitter. Criteria: ACMG Guidelines, 2015. Collection method: clinical testing. Allele origin: germline. Affected: yes. Observed: 1 variant allele.
Comment: Case and Pedigree Information: BILATERAL CASES:1, UNILATERAL CASES:0, TOTAL CASES:1, PEDIGREES:1. ACMG Codes Applied:PM2